The following is an entry in ClinVar:

ClinVar aggregate classification (germline): Benign. Review status: criteria provided, multiple submitters, no conflicts (2 of 4 stars). 13 submissions from 12 submitters: Benign (10). 3 of the submissions do not count toward it. Last evaluated 2026-02-03.

Conditions:
Autosomal dominant cerebellar ataxia. Also called: Spinocerebellar Ataxia, Dominant. Identifiers: Orphanet 99, MedGen C4087347, MONDO:0020380.
Charcot-Marie-Tooth disease. Also called: Charcot-Marie-Tooth Neuropathy; Charcot-Marie-Tooth Hereditary Neuropathy. Identifiers: Orphanet 166, MedGen C0007959, MONDO:0015626.
Inborn genetic diseases. Identifiers: MedGen C0950123, MeSH D030342.
Charcot-Marie-Tooth disease axonal type 2O. Also called: CHARCOT-MARIE-TOOTH NEUROPATHY, AXONAL, TYPE 2O; CHARCOT-MARIE-TOOTH DISEASE, AXONAL, AUTOSOMAL DOMINANT, TYPE 2O; Charcot-Marie-Tooth Neuropathy Type 2O; Charcot-Marie-Tooth disease, axonal, type 20. Identifiers: Orphanet 284232, MedGen C3280220, MONDO:0013644, OMIM 614228.

Allele frequency attached by ClinVar (database versions not stated): ESP Exome Variant Server 0.00034; gnomAD exomes 0.00357 and 0.01224; gnomAD 0.00449 and 0.00555; TOPMed 0.00727; ExAC 0.01461; 1000 Genomes Project 30x 0.01624; 1000 Genomes Project 0.01717.
gnomAD v4.1: 6,046 of 1,596,858 alleles (0.38%); highest among the groups gnomAD compares: Admixed American, 4.2%; 134 homozygotes.

Submissions (13):

Labcorp Genetics (formerly Invitae), Labcorp
Classification: Benign for Charcot-Marie-Tooth disease axonal type 2O. Last evaluated: 2026-02-03. Review status: criteria provided, single submitter. Criteria: Invitae Variant Classification Sherloc (09022015). Collection method: clinical testing. Allele origin: germline.

ARUP Laboratories, Molecular Genetics and Genomics, ARUP Laboratories
Classification: Benign. Last evaluated: 2023-10-14. Review status: criteria provided, single submitter. Criteria: ARUP Molecular Germline Variant Investigation Process 2024. Collection method: clinical testing. Allele origin: germline.

Athena Diagnostics
Classification: Benign. Last evaluated: 2021-04-07. Review status: criteria provided, single submitter. Criteria: Athena Diagnostics criteria. Collection method: clinical testing. Allele origin: unknown.

Illumina Laboratory Services, Illumina
Classification: Benign for Charcot-Marie-Tooth disease axonal type 2O. Last evaluated: 2018-01-13. Review status: criteria provided, single submitter. Criteria: ICSL Variant Classification Criteria 13 December 2019. Collection method: clinical testing. Allele origin: germline.
Comment: This variant was observed in the ICSL laboratory as part of a predisposition screen in an ostensibly healthy population. It had not been previously curated by ICSL or reported in the Human Gene Mutation Database (HGMD: prior to June 1st, 2018), and was therefore a candidate for classification through an automated scoring system. Utilizing variant allele frequency, disease prevalence and penetrance estimates, and inheritance mode, an automated score was calculated to assess if this variant is too frequent to cause the disease. Based on the score and internal cut-off values, a variant classified as benign is not then subjected to further curation. The score for this variant resulted in a classification of benign for this disease.

Illumina Laboratory Services, Illumina
Classification: Benign for Spinocerebellar Ataxia, Dominant. Last evaluated: 2018-01-13. Review status: criteria provided, single submitter. Criteria: ICSL Variant Classification Criteria 13 December 2019. Collection method: clinical testing. Allele origin: germline.
Comment: the same text as in the submission from Illumina Laboratory Services, Illumina above.

Mayo Clinic Laboratories, Mayo Clinic
Classification: Benign. Last evaluated: 2016-06-15. Review status: criteria provided, single submitter. Criteria: ACMG Guidelines, 2015. Collection method: clinical testing. Allele origin: germline. Observed: 10 variant alleles.

Ambry Genetics
Classification: Benign for Inborn genetic diseases. Last evaluated: 2016-03-21. Review status: criteria provided, single submitter. Criteria: Ambry Variant Classification Scheme 2023. Collection method: clinical testing. Allele origin: germline.

GeneDx
Classification: Benign. Last evaluated: 2015-03-03. Review status: criteria provided, single submitter. Criteria: GeneDx Variant Classification Process June 2021. Collection method: clinical testing. Allele origin: germline. Affected: yes.

Breakthrough Genomics
Classification: Benign. Review status: criteria provided, single submitter. Criteria: ACMG Guidelines, 2015. Collection method: not provided. Allele origin: germline. Inheritance: Autosomal dominant inheritance. Affected: yes.

Molecular Genetics Laboratory, London Health Sciences Centre
Classification: Benign for Charcot-Marie-Tooth disease. Review status: criteria provided, single submitter. Criteria: ACMG Guidelines, 2015. Collection method: clinical testing. Allele origin: germline. Affected: yes.

Clinical Genetics DNA and cytogenetics Diagnostics Lab, Erasmus MC, Erasmus Medical Center
Classification: Benign. Review status: no assertion criteria provided. Collection method: clinical testing. Allele origin: germline. Affected: yes. Study: VKGL Data-share Consensus. Not counted in ClinVar's aggregate classification.

Clinical Genetics, Academic Medical Center
Classification: Benign. Review status: no assertion criteria provided. Collection method: clinical testing. Allele origin: germline. Affected: yes. Study: VKGL Data-share Consensus. Not counted in ClinVar's aggregate classification.

Genetic Services Laboratory, University of Chicago
Classification: Likely benign for AllHighlyPenetrant. Review status: no assertion criteria provided. Collection method: clinical testing. Allele origin: germline. Inheritance: Autosomal dominant inheritance. Not counted in ClinVar's aggregate classification.
Comment: Likely benign based on allele frequency in 1000 Genomes Project or ESP global frequency and its presence in a patient with a rare or unrelated disease phenotype. NOT Sanger confirmed.

NM_001376.5(DYNC1H1):c.46T>C (p.Leu16=)

Gene: DYNC1H1 (dynein cytoplasmic 1 heavy chain 1; plus strand). Cytogenetic location: 14q32.31.
Variant type: single nucleotide variant.
Coding change: c.46T>C on transcript NM_001376.5 (MANE Select); coding-DNA position 46, T replaced by C.
Protein change: p.Leu16=; no amino-acid change (leucine 16 retained).
Molecular consequence: synonymous variant.
Genome position (GRCh38, 1-based): chr14:101,964,737, T>C. VCF-style: chr14-101964737-T-C. GRCh37 (hg19) VCF-style: chr14-102431074-T-C.
Other names: p.Leu16=.
Identifiers: ClinVar variation 128938 (VCV000128938.37), dbSNP rs2273437, ClinGen allele CA152646.